The following is an entry in ClinVar:

ClinVar aggregate classification (germline): Uncertain significance. Review status: criteria provided, multiple submitters, no conflicts (2 of 4 stars). 2 submissions from 2 submitters: Uncertain significance (2). Last evaluated 2026-07-06.

Conditions:
Gorlin syndrome. Also called: Nevoid Basal Cell Carcinoma Syndrome; Basal cell nevus syndrome. Identifiers: Orphanet 377, MedGen C0004779, MONDO:0007187.
Medulloblastoma (MDB). Also called: Medulloblastoma, somatic; MEDULLOBLASTOMA PREDISPOSITION SYNDROME. Identifiers: Orphanet 616, MedGen C0025149, MeSH D008527, MONDO:0007959, OMIM 155255, HP:0002885.
Hereditary cancer-predisposing syndrome. Also called: Hereditary Cancer Syndrome; Neoplastic Syndromes, Hereditary; Hereditary neoplastic syndrome; Tumor predisposition. Identifiers: Orphanet 140162, MedGen C0027672, MeSH D009386, MONDO:0015356.

Submissions (2):

Ambry Genetics
Classification: Uncertain significance for Hereditary cancer-predisposing syndrome. Last evaluated: 2026-07-06. Review status: criteria provided, single submitter. Criteria: Ambry Variant Classification Scheme 2023. Collection method: clinical testing. Allele origin: germline.
Comment: The p.R289G variant (also known as c.865C>G), located in coding exon 7 of the SUFU gene, results from a C to G substitution at nucleotide position 865. The arginine at codon 289 is replaced by glycine, an amino acid with dissimilar properties. This amino acid position is conserved. In addition, the in silico prediction for this alteration is inconclusive. Based on the available evidence, the clinical significance of this variant remains unclear.

Labcorp Genetics (formerly Invitae), Labcorp
Classification: Uncertain significance for Gorlin syndrome; Medulloblastoma. Last evaluated: 2021-12-08. Review status: criteria provided, single submitter. Criteria: Invitae Variant Classification Sherloc (09022015). Collection method: clinical testing. Allele origin: germline.
Comment: This sequence change replaces arginine, which is basic and polar, with glycine, which is neutral and non-polar, at codon 289 of the SUFU protein (p.Arg289Gly). This variant is not present in population databases (gnomAD no frequency). This variant has not been reported in the literature in individuals affected with SUFU-related conditions. Algorithms developed to predict the effect of missense changes on protein structure and function are either unavailable or do not agree on the potential impact of this missense change (SIFT: "Deleterious"; PolyPhen-2: "Possibly Damaging"; Align-GVGD: "Class C0"). In summary, the available evidence is currently insufficient to determine the role of this variant in disease. Therefore, it has been classified as a Variant of Uncertain Significance.

NM_016169.4(SUFU):c.865C>G (p.Arg289Gly)

Gene: SUFU (SUFU negative regulator of hedgehog signaling; plus strand). Cytogenetic location: 10q24.32.
Variant type: single nucleotide variant.
Coding change: c.865C>G on transcript NM_016169.4 (MANE Select); coding-DNA position 865, C replaced by G.
Protein change: p.Arg289Gly; replaces arginine 289 with glycine.
Molecular consequence: missense variant.
Genome position (GRCh38, 1-based): chr10:102,597,248, C>G. VCF-style: chr10-102597248-C-G. GRCh37 (hg19) VCF-style: chr10-104357005-C-G.
Other names: c.865C>G, p.Arg289Gly (NM_001178133.2); c.865C>G (NM_016169.3); short protein forms R289G.
Identifiers: ClinVar variation 1401329 (VCV001401329.7), dbSNP rs755961394, ClinGen allele CA377910712.